The following is an entry in ClinVar:

ClinVar aggregate classification (germline): Benign. Review status: criteria provided, multiple submitters, no conflicts (2 of 4 stars). 3 submissions from 3 submitters: Benign (3). Last evaluated 2024-01-24.

Allele frequency attached by ClinVar (database versions not stated): gnomAD exomes 0.72469; gnomAD 0.77194 and 0.77437; TOPMed 0.78119; 1000 Genomes Project 30x 0.84213; 1000 Genomes Project 0.84345.
gnomAD v4.1: 1,152,424 of 1,579,122 alleles (73%); highest among the groups gnomAD compares: East Asian, 98%; 424,203 homozygotes.

Submissions (3):

Unidad de Genómica Garrahan, Hospital de Pediatría Garrahan
Classification: Benign. Last evaluated: 2024-01-24. Review status: criteria provided, single submitter. Criteria: ACMG Guidelines, 2015. Collection method: clinical testing. Allele origin: germline. Affected: no. Observed: 81 variant alleles.
Comment: This variant is classified as Benign based on local population frequency. This variant was detected in 92% of patients studied by a panel of primary immunodeficiencies. Number of patients: 81. Only high quality variants are reported.

GeneDx
Classification: Benign. Last evaluated: 2018-11-12. Review status: criteria provided, single submitter. Criteria: GeneDx Variant Classification Process June 2021. Collection method: clinical testing. Allele origin: germline. Affected: yes.

Breakthrough Genomics
Classification: Benign. Review status: criteria provided, single submitter. Criteria: ACMG Guidelines, 2015. Collection method: not provided. Allele origin: germline. Inheritance: Autosomal recessive inheritance. Affected: yes.

NM_005534.4(IFNGR2):c.722-55T>C

Genes: IFNGR2 (interferon gamma receptor 2; plus strand), TMEM50B (transmembrane protein 50B; minus strand). Cytogenetic location: 21q22.11.
Variant type: single nucleotide variant.
Coding change: c.722-55T>C on transcript NM_005534.4 (MANE Select); 55 bases into the intron before coding-DNA position 722, T replaced by C.
Molecular consequence: intron variant. On other transcripts: non-coding transcript variant (1).
Genome position (GRCh38, 1-based): chr21:33,432,659, T>C. VCF-style: chr21-33432659-T-C. GRCh37 (hg19) VCF-style: chr21-34804966-T-C.
Other names: c.779-55T>C (NM_001329128.2).
Identifiers: ClinVar variation 1268638 (VCV001268638.4), dbSNP rs1532, ClinGen allele CA14870351.
Genomic context (GRCh38, chr21:33,432,659, plus strand): 5'-CTTGCCCATTTTACTAGGACAGGAATGCTCTTTAAGCAGCATGGATGGAACATTAACTGA[T>C]GTTTGTGTTGTGCGTAGGAAGATCATTCTGTTCACTTTCGTGTCCTCTTTTTAGCCTCCA-3'